The following is an entry in ClinVar:

ClinVar aggregate classification (germline): Uncertain significance. Review status: criteria provided, multiple submitters, no conflicts (2 of 4 stars). 4 submissions from 4 submitters: Uncertain significance (3). 1 of the submissions does not count toward it. Last evaluated 2023-09-01.

Conditions:
Cohen syndrome (COH1). Also called: Cutis verticis gyrata, retinitis pigmentosa, and sensorineural deafness; PEPPER SYNDROME. Identifiers: Orphanet 193, MedGen C0265223, MONDO:0008999, OMIM 216550.
VPS13B-related disorder. Also called: VPS13B-related condition.

Allele frequency attached by ClinVar (database versions not stated): gnomAD exomes below 0.00001 and 0.00002; ExAC 0.00002; gnomAD 0.00003 and 0.00004; TOPMed 0.00007; ESP Exome Variant Server 0.00008.
gnomAD v4.1: 13 of 1,613,898 alleles (0.00081%); highest among the groups gnomAD compares: African/African-American, 0.013%; no homozygotes.

Submissions (4):

CeGaT Center for Human Genetics Tuebingen
Classification: Uncertain significance. Last evaluated: 2023-09-01. Review status: criteria provided, single submitter. Criteria: CeGaT Center For Human Genetics Tuebingen Variant Classification Criteria Version 2. Collection method: clinical testing. Allele origin: germline. Affected: yes. Observed: 1 variant allele.
Comment: VPS13B: PM2, BP4

Blueprint Genetics
Classification: Uncertain significance. Last evaluated: 2022-09-06. Review status: criteria provided, single submitter. Criteria: ACMG Guidelines, 2015. Collection method: clinical testing. Allele origin: germline.

Labcorp Genetics (formerly Invitae), Labcorp
Classification: Uncertain significance for Cohen syndrome. Last evaluated: 2022-08-19. Review status: criteria provided, single submitter. Criteria: Invitae Variant Classification Sherloc (09022015). Collection method: clinical testing. Allele origin: germline.
Comment: This sequence change replaces aspartic acid, which is acidic and polar, with glycine, which is neutral and non-polar, at codon 583 of the VPS13B protein (p.Asp583Gly). This variant is present in population databases (rs368595026, gnomAD 0.03%). This variant has not been reported in the literature in individuals affected with VPS13B-related conditions. ClinVar contains an entry for this variant (Variation ID: 1425882). Algorithms developed to predict the effect of missense changes on protein structure and function are either unavailable or do not agree on the potential impact of this missense change (SIFT: "Not Available"; PolyPhen-2: "Possibly Damaging"; Align-GVGD: "Not Available"). In summary, the available evidence is currently insufficient to determine the role of this variant in disease. Therefore, it has been classified as a Variant of Uncertain Significance.

PreventionGenetics, part of Exact Sciences
Classification: Uncertain significance for VPS13B-related condition. Last evaluated: 2024-09-16. Review status: no assertion criteria provided. Collection method: clinical testing. Allele origin: germline. Not counted in ClinVar's aggregate classification.
Comment: The VPS13B c.1748A>G variant is predicted to result in the amino acid substitution p.Asp583Gly. To our knowledge, this variant has not been reported in the literature. This variant is reported in 0.018% of alleles in individuals of African descent in gnomAD. At this time, the clinical significance of this variant is uncertain due to the absence of conclusive functional and genetic evidence.

NM_152564.5(VPS13B):c.1748A>G (p.Asp583Gly)

Gene: VPS13B (vacuolar protein sorting 13 homolog B; plus strand). Cytogenetic location: 8q22.2.
Variant type: single nucleotide variant.
Coding change: c.1748A>G on transcript NM_152564.5 (MANE Select); coding-DNA position 1748, A replaced by G.
Protein change: p.Asp583Gly; replaces aspartic acid 583 with glycine.
Molecular consequence: missense variant.
Genome position (GRCh38, 1-based): chr8:99,143,070, A>G. VCF-style: chr8-99143070-A-G. GRCh37 (hg19) VCF-style: chr8-100155298-A-G.
Other names: c.1748A>G (NM_152564.4); c.1748A>G, p.Asp583Gly (NM_015243.3, NM_017890.5); short protein forms D583G.
Identifiers: ClinVar variation 1425882 (VCV001425882.30), dbSNP rs368595026, ClinGen allele CA4822729.